The following is an entry in ClinVar:

NM_000038.6(APC):c.8060C>T (p.Ser2687Leu)

Gene: APC (APC regulator of Wnt signaling pathway; plus strand). Cytogenetic location: 5q22.2.
Variant type: single nucleotide variant.
Coding change: c.8060C>T on transcript NM_000038.6 (MANE Select); coding-DNA position 8060, C replaced by T.
Protein change: p.Ser2687Leu; replaces serine 2687 with leucine.
Molecular consequence: missense variant.
Genome position (GRCh38, 1-based): chr5:112,843,654, C>T. VCF-style: chr5-112843654-C-T. GRCh37 (hg19) VCF-style: chr5-112179351-C-T.
Other names: c.8060C>T, p.Ser2687Leu (NM_001127510.3, NM_001354895.2); c.8006C>T, p.Ser2669Leu (NM_001127511.3); c.8114C>T, p.Ser2705Leu (NM_001354896.2); c.8090C>T, p.Ser2697Leu (NM_001354897.2); c.7985C>T, p.Ser2662Leu (NM_001354898.2); c.7976C>T, p.Ser2659Leu (NM_001354899.2); c.7937C>T, p.Ser2646Leu (NM_001354900.2); c.7883C>T, p.Ser2628Leu (NM_001354901.2); and 5 more; short protein forms S2687L, S2669L, S2404L, S2586L, S2646L, S2561L, S2697L, S2705L.
Identifiers: ClinVar variation 470127 (VCV000470127.20), dbSNP rs144746572, ClinGen allele CA049806.

ClinVar aggregate classification (germline): Uncertain significance. Review status: criteria provided, multiple submitters, no conflicts (2 of 4 stars). 4 submissions from 4 submitters: Uncertain significance (4). Last evaluated 2025-11-10.

Conditions:
Familial adenomatous polyposis 1 (FAP1). Also called: POLYPOSIS, ADENOMATOUS INTESTINAL; FAMILIAL ADENOMATOUS POLYPOSIS 1, ATTENUATED. Identifiers: MedGen C2713442, MONDO:0021056, OMIM 175100. Disease mechanism: loss of function.
Classic or attenuated familial adenomatous polyposis. Identifiers: MedGen CN372698, MONDO:0021057.
Hereditary cancer-predisposing syndrome. Also called: Hereditary neoplastic syndrome; Neoplastic Syndromes, Hereditary; Tumor predisposition; Hereditary Cancer Syndrome. Identifiers: Orphanet 140162, MedGen C0027672, MeSH D009386, MONDO:0015356.

Allele frequency attached by ClinVar (database versions not stated): gnomAD exomes below 0.00001; TOPMed below 0.00001; ExAC 0.00001; gnomAD 0.00001; ESP Exome Variant Server 0.00008.
gnomAD v4.1: 6 of 1,613,710 alleles (0.00037%); highest among the groups gnomAD compares: Non-Finnish European, 0.00034%; no homozygotes.

Submissions (4):

Ambry Genetics
Classification: Uncertain significance for Hereditary cancer-predisposing syndrome. Last evaluated: 2025-11-10. Review status: criteria provided, single submitter. Criteria: Ambry Variant Classification Scheme 2023. Collection method: clinical testing. Allele origin: germline.
Comment: The p.S2687L variant (also known as c.8060C>T), located in coding exon 15 of the APC gene, results from a C to T substitution at nucleotide position 8060. The serine at codon 2687 is replaced by leucine, an amino acid with dissimilar properties. This amino acid position is not well conserved in available vertebrate species. In addition, in silico predictors for this gene do not accurately predict pathogenicity. Missense alterations in APC are not a common cause of disease (Spier I et al. Genet Med. 2024 Feb;26(2):100992). Based on the available evidence, the clinical significance of this variant remains unclear.

Labcorp Genetics (formerly Invitae), Labcorp
Classification: Uncertain significance for Familial adenomatous polyposis 1. Last evaluated: 2024-03-24. Review status: criteria provided, single submitter. Criteria: Invitae Variant Classification Sherloc (09022015). Collection method: clinical testing. Allele origin: germline.
Comment: This sequence change replaces serine, which is neutral and polar, with leucine, which is neutral and non-polar, at codon 2687 of the APC protein (p.Ser2687Leu). This variant is present in population databases (rs144746572, gnomAD 0.0009%). This variant has not been reported in the literature in individuals affected with APC-related conditions. ClinVar contains an entry for this variant (Variation ID: 470127). Advanced modeling of protein sequence and biophysical properties (such as structural, functional, and spatial information, amino acid conservation, physicochemical variation, residue mobility, and thermodynamic stability) performed at Invitae indicates that this missense variant is not expected to disrupt APC protein function with a negative predictive value of 95%. In summary, the available evidence is currently insufficient to determine the role of this variant in disease. Therefore, it has been classified as a Variant of Uncertain Significance.

Color Diagnostics, LLC DBA Color Health
Classification: Uncertain significance for Hereditary cancer-predisposing syndrome. Last evaluated: 2024-03-06. Review status: criteria provided, single submitter. Criteria: ACMG Guidelines, 2015. Collection method: clinical testing. Allele origin: germline.
Comment: This missense variant replaces serine with leucine at codon 2687 of the APC protein. Computational prediction suggests that this variant may not impact protein structure and function (internally defined REVEL score threshold <= 0.5, PMID: 27666373). Splice site prediction tools suggest that this variant may not impact RNA splicing. To our knowledge, functional studies have not been performed for this variant. This variant has not been reported in individuals affected with hereditary cancer in the literature. This variant has been identified in 1/251220 chromosomes in the general population by the Genome Aggregation Database (gnomAD). The available evidence is insufficient to determine the role of this variant in disease conclusively. Therefore, this variant is classified as a Variant of Uncertain Significance.

All of Us Research Program, National Institutes of Health
Classification: Uncertain significance for Classic or attenuated familial adenomatous polyposis. Last evaluated: 2023-12-01. Review status: criteria provided, single submitter. Criteria: ACMG Guidelines, 2015. Collection method: clinical testing. Allele origin: germline. Inheritance: Autosomal dominant inheritance. Observed: 1 variant allele, 1 heterozygote.
Comment: This missense variant replaces serine with leucine at codon 2687 of the APC protein. Computational prediction suggests that this variant may not impact protein structure and function (internally defined REVEL score threshold <= 0.5, PMID: 27666373). Splice site prediction tools suggest that this variant may not impact RNA splicing. To our knowledge, functional studies have not been performed for this variant. This variant has not been reported in individuals affected with hereditary cancer in the literature. This variant has been identified in 1/251220 chromosomes in the general population by the Genome Aggregation Database (gnomAD). The available evidence is insufficient to determine the role of this variant in disease conclusively. Therefore, this variant is classified as a Variant of Uncertain Significance.

This study involves interpretation of variants in research participants for the purpose of population health screening. Participant phenotype was not available at the time of variant classification. Additional details can be found in publication PMID: 35346344, PMCID: PMC8962531